The following is an entry in ClinVar:

NM_000180.4(GUCY2D):c.1192G>A (p.Glu398Lys)

Gene: GUCY2D (guanylate cyclase 2D, retinal; plus strand). Cytogenetic location: 17p13.1.
Variant type: single nucleotide variant.
Coding change: c.1192G>A on transcript NM_000180.4 (MANE Select); coding-DNA position 1192, G replaced by A.
Protein change: p.Glu398Lys; replaces glutamic acid 398 with lysine.
Molecular consequence: missense variant.
Genome position (GRCh38, 1-based): chr17:8,006,528, G>A. VCF-style: chr17-8006528-G-A. GRCh37 (hg19) VCF-style: chr17-7909846-G-A.
Other names: c.1192G>A (NM_000180.3); short protein forms E398K.
Identifiers: ClinVar variation 2178815 (VCV002178815.4), dbSNP rs377021127, ClinGen allele CA8365676.
Genomic context (GRCh38, chr17:8,006,528, plus strand): 5'-GTGGCCCGCCACATCCGGGATGCGCAGGTCCCTGGCTTCTGCGGGGACCTAGGAGGAGAC[G>A]AGGAGCCCCCATTCGTGCTGCTAGACACGGACGCGGCGGGAGACCGGCTTTTTGCCACAT-3'
Protein context (NP_000171.1, residues 388-408): PGFCGDLGGD[Glu398Lys]EPPFVLLDTD

ClinVar aggregate classification (germline): Uncertain significance. Review status: criteria provided, multiple submitters, no conflicts (2 of 4 stars). 3 submissions from 3 submitters: Uncertain significance (3). Last evaluated 2025-09-10.

Conditions:
Leber congenital amaurosis 1 (LCA1). Also called: RETINAL BLINDNESS, CONGENITAL; AMAUROSIS CONGENITA OF LEBER I; Congenital absence of the rods and cones; Leber's congenital tapetoretinal degeneration; Leber's congenital tapetoretinal dysplasia. Identifiers: Orphanet 65, MedGen C2931258, MONDO:0008764, OMIM 204000.
Cone-rod dystrophy 6 (CORD6). Also called: RETINAL CONE DYSTROPHY 2; Cone dystrophy progressive. Identifiers: Orphanet 1872, MedGen C1866293, MONDO:0011143, OMIM 601777.
GUCY2D-related disorder. Also called: GUCY2D-related condition.

Allele frequency attached by ClinVar (database versions not stated): gnomAD 0.00001; gnomAD exomes 0.00001; TOPMed 0.00001; ExAC 0.00002; ESP Exome Variant Server 0.00008.
gnomAD v4.1: 17 of 1,611,450 alleles (0.0011%); highest among the groups gnomAD compares: South Asian, 0.0022%; no homozygotes.

Submissions (3):

PreventionGenetics, part of Exact Sciences
Classification: Uncertain significance for GUCY2D-related condition. Last evaluated: 2025-09-10. Review status: criteria provided, single submitter. Criteria: ACMG Guidelines, 2015. Collection method: clinical testing. Allele origin: germline.
Comment: The GUCY2D c.1192G>A variant is predicted to result in the amino acid substitution p.Glu398Lys. To our knowledge, this variant has not been reported in the literature. This variant is reported in 0.0033% of alleles in individuals of South Asian descent in gnomAD. At this time, the clinical significance of this variant is uncertain due to the absence of conclusive functional and genetic evidence.

Blueprint Genetics
Classification: Uncertain significance. Last evaluated: 2024-05-15. Review status: criteria provided, single submitter. Criteria: ACMG Guidelines, 2015. Collection method: clinical testing. Allele origin: germline.

Labcorp Genetics (formerly Invitae), Labcorp
Classification: Uncertain significance for Leber congenital amaurosis 1; Cone-rod dystrophy 6. Last evaluated: 2022-06-04. Review status: criteria provided, single submitter. Criteria: Invitae Variant Classification Sherloc (09022015). Collection method: clinical testing. Allele origin: germline.
Comment: In summary, the available evidence is currently insufficient to determine the role of this variant in disease. Therefore, it has been classified as a Variant of Uncertain Significance. Algorithms developed to predict the effect of missense changes on protein structure and function output the following: SIFT: "Tolerated"; PolyPhen-2: "Benign"; Align-GVGD: "Class C0". The lysine amino acid residue is found in multiple mammalian species, which suggests that this missense change does not adversely affect protein function. This variant has not been reported in the literature in individuals affected with GUCY2D-related conditions. This variant is present in population databases (rs377021127, gnomAD 0.003%). This sequence change replaces glutamic acid, which is acidic and polar, with lysine, which is basic and polar, at codon 398 of the GUCY2D protein (p.Glu398Lys).